The following is an entry in ClinVar:

ClinVar aggregate classification (germline): Uncertain significance. Review status: criteria provided, multiple submitters, no conflicts (2 of 4 stars). 2 submissions from 2 submitters: Uncertain significance (2). Last evaluated 2023-10-17.

Conditions:
Inborn genetic diseases. Identifiers: MedGen C0950123, MeSH D030342.
Charcot-Marie-Tooth disease type 4. Also called: Charcot-Marie-Tooth disease, type IV; Charcot-Marie-Tooth, Type 4. Identifiers: Orphanet 64749, MedGen C4082197, MONDO:0018995.

Allele frequency attached by ClinVar (database versions not stated): gnomAD exomes below 0.00001; TOPMed 0.00002.
gnomAD v4.1: 5 of 1,612,786 alleles (0.00031%); highest among the groups gnomAD compares: African/African-American, 0.0013%; no homozygotes.

Submissions (2):

Labcorp Genetics (formerly Invitae), Labcorp
Classification: Uncertain significance for Charcot-Marie-Tooth disease type 4. Last evaluated: 2023-10-17. Review status: criteria provided, single submitter. Criteria: Invitae Variant Classification Sherloc (09022015). Collection method: clinical testing. Allele origin: germline.
Comment: This sequence change replaces leucine, which is neutral and non-polar, with phenylalanine, which is neutral and non-polar, at codon 637 of the SBF2 protein (p.Leu637Phe). This variant is present in population databases (no rsID available, gnomAD 0.004%). This variant has not been reported in the literature in individuals affected with SBF2-related conditions. ClinVar contains an entry for this variant (Variation ID: 1488233). Advanced modeling of protein sequence and biophysical properties (such as structural, functional, and spatial information, amino acid conservation, physicochemical variation, residue mobility, and thermodynamic stability) performed at Invitae indicates that this missense variant is expected to disrupt SBF2 protein function. In summary, the available evidence is currently insufficient to determine the role of this variant in disease. Therefore, it has been classified as a Variant of Uncertain Significance.

Ambry Genetics
Classification: Uncertain significance for Inborn genetic diseases. Last evaluated: 2023-04-13. Review status: criteria provided, single submitter. Criteria: Ambry Variant Classification Scheme 2023. Collection method: clinical testing. Allele origin: germline.

NM_030962.4(SBF2):c.1911G>C (p.Leu637Phe)

Genes: SBF2 (SET binding factor 2; minus strand), LOC101928008 (uncharacterized LOC101928008; plus strand). Cytogenetic location: 11p15.4.
Variant type: single nucleotide variant.
Coding change: c.1911G>C on transcript NM_030962.4 (MANE Select); coding-DNA position 1911, G replaced by C.
Protein change: p.Leu637Phe; replaces leucine 637 with phenylalanine.
Molecular consequence: missense variant.
Genome position (GRCh38, 1-based): chr11:9,895,961, C>G on the plus strand (G>C on the coding strand, the complement: SBF2 is on the minus strand). VCF-style: chr11-9895961-C-G. GRCh37 (hg19) VCF-style: chr11-9917508-C-G.
Other names: c.1911G>C, p.Leu637Phe (NM_001386339.1); c.1782G>C, p.Leu594Phe (NM_001386342.1); c.1911G>C (NM_030962.3); short protein forms L594F, L637F.
Identifiers: ClinVar variation 1488233 (VCV001488233.7), dbSNP rs1373091395, ClinGen allele CA379646286.